The following is an entry in ClinVar:

NM_001211.6(BUB1B):c.2497A>G (p.Ile833Val)

Gene: BUB1B (BUB1 mitotic checkpoint serine/threonine kinase B; plus strand). Cytogenetic location: 15q15.1.
Variant type: single nucleotide variant.
Coding change: c.2497A>G on transcript NM_001211.6 (MANE Select); coding-DNA position 2497, A replaced by G.
Protein change: p.Ile833Val; replaces isoleucine 833 with valine.
Molecular consequence: missense variant.
Genome position (GRCh38, 1-based): chr15:40,212,610, A>G. VCF-style: chr15-40212610-A-G. GRCh37 (hg19) VCF-style: chr15-40504811-A-G.
Other names: short protein forms I833V.
Identifiers: ClinVar variation 1792141 (VCV001792141.2), dbSNP rs2037728395, ClinGen allele CA391695475.

ClinVar aggregate classification (germline): Uncertain significance (1 of 4 stars; one submission).

Conditions:
Inborn genetic diseases. Identifiers: MedGen C0950123, MeSH D030342.

Allele frequency attached by ClinVar (database versions not stated): gnomAD exomes below 0.00001; TOPMed below 0.00001.
gnomAD v4.1: 2 of 1,613,704 alleles (0.00012%); highest among the groups gnomAD compares: South Asian, 0.0011%; no homozygotes.

Submission:

Ambry Genetics
Classification: Uncertain significance for Inborn genetic diseases. Last evaluated: 2021-08-17. Review status: criteria provided, single submitter. Criteria: Ambry Variant Classification Scheme 2023. Collection method: clinical testing. Allele origin: germline.
Comment: The p.I833V variant (also known as c.2497A>G), located in coding exon 19 of the BUB1B gene, results from an A to G substitution at nucleotide position 2497. The isoleucine at codon 833 is replaced by valine, an amino acid with highly similar properties. This amino acid position is conserved. In addition, this alteration is predicted to be tolerated by in silico analysis. Since supporting evidence is limited at this time, the clinical significance of this alteration remains unclear.